The following is an entry in ClinVar:

ClinVar aggregate classification (germline): Uncertain significance. Review status: criteria provided, multiple submitters, no conflicts (2 of 4 stars). 3 submissions from 3 submitters: Uncertain significance (3). Last evaluated 2024-02-19.

Conditions:
Tay-Sachs disease (TSD). Also called: Hexosaminidase A Deficiency; HEXA Disorders; GM2 gangliosidosis, type 1; Hexosaminidase alpha-subunit deficiency (variant B); Sphingolipidosis, Tay-Sachs; HEXA DEFICIENCY. Identifiers: Orphanet 845, MedGen C0039373, MONDO:0010100, OMIM 272800.

Submissions (3):

Mayo Clinic Laboratories, Mayo Clinic
Classification: Uncertain significance. Last evaluated: 2024-02-19. Review status: criteria provided, single submitter. Criteria: ACMG Guidelines, 2015. Collection method: clinical testing. Allele origin: germline. Observed: 1 variant allele.
Comment: PM2

Women's Health and Genetics/Laboratory Corporation of America, LabCorp
Classification: Uncertain significance. Last evaluated: 2023-02-23. Review status: criteria provided, single submitter. Criteria: LabCorp Variant Classification Summary - May 2015. Collection method: clinical testing. Allele origin: germline.
Comment: Variant summary: HEXA c.1087_1088delinsTA (p.Val363Tyr) results in a non-conservative amino acid change located in the Glycoside hydrolase family 20, catalytic domain of the encoded protein sequence. Three of three in-silico tools predict a damaging effect of the variant on protein function. The variant allele was found at a frequency of 2.8e-05 in 282896 control chromosomes. The available data on variant occurrences in the general population are insufficient to allow any conclusion about variant significance. To our knowledge, no occurrence of c.1087_1088delinsTA in individuals affected with Tay-Sachs Disease and no experimental evidence demonstrating its impact on protein function have been reported. One clinical diagnostic laboratory has submitted clinical-significance assessments for this variant to ClinVar after 2014 without evidence for independent evaluation. One laboratory classified the variant as uncertain significance. Based on the evidence outlined above, the variant was classified as uncertain significance.

Labcorp Genetics (formerly Invitae), Labcorp
Classification: Uncertain significance for Tay-Sachs disease. Last evaluated: 2022-10-13. Review status: criteria provided, single submitter. Criteria: Invitae Variant Classification Sherloc (09022015). Collection method: clinical testing. Allele origin: germline.
Comment: This sequence change replaces valine, which is neutral and non-polar, with tyrosine, which is neutral and polar, at codon 363 of the HEXA protein (p.Val363Tyr). This variant is present in population databases (no rsID available, gnomAD 0.04%). This variant has not been reported in the literature in individuals affected with HEXA-related conditions. ClinVar contains an entry for this variant (Variation ID: 972237). Algorithms developed to predict the effect of missense changes on protein structure and function are either unavailable or do not agree on the potential impact of this missense change (SIFT: "Not Available"; PolyPhen-2: "Probably Damaging"; Align-GVGD: "Not Available"). In summary, the available evidence is currently insufficient to determine the role of this variant in disease. Therefore, it has been classified as a Variant of Uncertain Significance.

Literature cited by the submitters: PubMed 37993639 (cited by Mayo Clinic Laboratories, Mayo Clinic).

NM_000520.6(HEXA):c.1087_1088delinsTA (p.Val363Tyr)

Gene: HEXA (hexosaminidase subunit alpha; minus strand). Cytogenetic location: 15q23.
Variant type: Indel.
Coding change: c.1087_1088delinsTA on transcript NM_000520.6 (MANE Select); coding-DNA positions 1087 to 1088, GT replaced by TA.
Protein change: p.Val363Tyr; replaces valine 363 with tyrosine.
Molecular consequence: missense variant.
Genome position (GRCh38, 1-based): chr15:72,347,744-72,347,745, AC replaced by TA on the plus strand (GT replaced by TA on the coding strand, the reverse complement: HEXA is on the minus strand). VCF-style: chr15-72347744-AC-TA. GRCh37 (hg19) VCF-style: chr15-72640085-AC-TA.
Other names: p.Val363Tyr; c.1120_1121delinsTA, p.Val374Tyr (NM_001318825.2); c.1087_1088delinsTA (NM_000520.5); short protein forms V363Y, V374Y.
Identifiers: ClinVar variation 972237 (VCV000972237.6), dbSNP rs2088636561, ClinGen allele CA1139664062.